The following is an entry in ClinVar:

NM_025184.4(EFHC2):c.404G>A (p.Arg135Gln)

Gene: EFHC2 (EF-hand domain containing 2; minus strand). Cytogenetic location: Xp11.3.
Variant type: single nucleotide variant.
Coding change: c.404G>A on transcript NM_025184.4 (MANE Select); coding-DNA position 404, G replaced by A.
Protein change: p.Arg135Gln; replaces arginine 135 with glutamine.
Molecular consequence: missense variant.
Genome position (GRCh38, 1-based): chrX:44,261,277, C>T on the plus strand (G>A on the coding strand, the complement: EFHC2 is on the minus strand). VCF-style: chrX-44261277-C-T. GRCh37 (hg19) VCF-style: chrX-44120523-C-T.
Other names: short protein forms R135Q.
Identifiers: ClinVar variation 167032 (VCV000167032.7), dbSNP rs201560745, ClinGen allele CA233947.

ClinVar aggregate classification (germline): Conflicting classifications of pathogenicity. Review status: criteria provided, conflicting classifications (1 of 4 stars). 2 submissions from 2 submitters: Uncertain significance (1); Benign (1). Last evaluated 2013-12-20.

Conditions:
X-linked intellectual disability (XLID). Also called: Mental retardation, X-linked; INTELLECTUAL DEVELOPMENTAL DISORDER, X-LINKED. Identifiers: MedGen C1136249, MONDO:0100284.

Allele frequency attached by ClinVar (database versions not stated): TOPMed 0.00066; ESP Exome Variant Server 0.00052; gnomAD 0.00058 and 0.00079; gnomAD exomes 0.00214 and 0.00118; ExAC 0.00267; 1000 Genomes Project 30x 0.00312; 1000 Genomes Project 0.00291.
gnomAD v4.1: 1,382 of 1,189,572 alleles (0.12%); highest among the groups gnomAD compares: Middle Eastern, 1.4%; 4 homozygotes.

Submissions (2):

Eurofins Ntd Llc (ga)
Classification: Uncertain significance. Last evaluated: 2013-12-20. Review status: criteria provided, single submitter. Criteria: EGL Classification Definitions 2015. Collection method: clinical testing. Allele origin: germline.

Broad Center for Mendelian Genomics, Broad Institute of MIT and Harvard
Classification: Benign for X-linked intellectual disability. Review status: criteria provided, single submitter. Criteria: ACMG Guidelines, 2015. Collection method: research. Allele origin: germline. Inheritance: X-linked inheritance. Affected: yes.
Comment: The p.Arg135Gln variant in EFHC2 has been identified in at least 2 unrelated individuals with intellectual disability, segregated with disease in 2 families of unknown size (PMID: 17221867), and has been identified in >1% of South Asian chromosomes, 100 hemizygotes, and 1 homozygote by ExAC. In summary, this variant meets criteria to be classified as benign for X-linked recessive mental retardation.

Literature cited by the submitters: PubMed 17221867 (cited by Eurofins Ntd Llc (ga) and Broad Center for Mendelian Genomics, Broad Institute of MIT and Harvard).